The following is an entry in ClinVar:

ClinVar aggregate classification (germline): Benign. Review status: criteria provided, multiple submitters, no conflicts (2 of 4 stars). 2 submissions from 2 submitters: Benign (2). Last evaluated 2016-03-28.

Allele frequency attached by ClinVar (database versions not stated): ExAC 0.13541; gnomAD exomes 0.17666; 1000 Genomes Project 0.30312.

Submissions (2):

Laboratory for Molecular Medicine, Mass General Brigham Personalized Medicine
Classification: Benign. Last evaluated: 2016-03-28. Review status: criteria provided, single submitter. Criteria: LMM Criteria. Collection method: clinical testing. Allele origin: germline.
Comment: Variant identified in a genome or exome case(s) and assessed due to predicted null impact of the variant or pathogenic assertions in the literature or databases. Disclaimer: This variant has not undergone full assessment. The following are preliminary notes: Frequency

Breakthrough Genomics
Classification: Benign. Review status: criteria provided, single submitter. Criteria: ACMG Guidelines, 2015. Collection method: not provided. Allele origin: germline. Inheritance: Unknown mechanism. Affected: yes.

NM_001004748.1(OR51A2):c.799G>C (p.Gly267Arg)

Genes: MMP26 (matrix metallopeptidase 26; plus strand), OR51A2 (olfactory receptor family 51 subfamily A member 2; minus strand). Cytogenetic location: 11p15.4.
Variant type: single nucleotide variant.
Coding change: c.799G>C on transcript NM_001004748.1 (MANE Select); coding-DNA position 799, G replaced by C.
Protein change: p.Gly267Arg; replaces glycine 267 with arginine.
Molecular consequence: missense variant.
Genome position (GRCh38, 1-based): chr11:4,954,915, C>G on the plus strand (G>C on the coding strand, the complement: OR51A2 is on the minus strand). VCF-style: chr11-4954915-C-G. GRCh37 (hg19) VCF-style: chr11-4976145-C-G.
Other names: short protein forms G267R.
Identifiers: ClinVar variation 403274 (VCV000403274.5), dbSNP rs56066301, ClinGen allele CA5837494.
Genomic context (GRCh38, chr11:4,954,915, plus strand): 5'-GCGGAGGTACAAGTAGGAGAACATTTGCCATGAGAACATTAATGAGGGGAGAGACATGCC[C>G]GGCAAAGCGGTGGACAACGGCCAGGTTGATGATGGGCAGGTAGAAGATGATCACTGCACA-3'
Protein context (NP_001004748.1, residues 257-277): INLAVVHRFA[Gly267Arg]HVSPLINVLM